The following is an entry in ClinVar:

NM_006662.3(SRCAP):c.7738G>C (p.Val2580Leu)

Gene: SRCAP (Snf2 related CREBBP activator protein; plus strand). Cytogenetic location: 16p11.2.
Variant type: single nucleotide variant.
Coding change: c.7738G>C on transcript NM_006662.3 (MANE Select); coding-DNA position 7738, G replaced by C.
Protein change: p.Val2580Leu; replaces valine 2580 with leucine.
Molecular consequence: missense variant.
Genome position (GRCh38, 1-based): chr16:30,737,778, G>C. VCF-style: chr16-30737778-G-C. GRCh37 (hg19) VCF-style: chr16-30749099-G-C.
Other names: short protein forms V2580L.
Identifiers: ClinVar variation 1944461 (VCV001944461.5), dbSNP rs1350125580, ClinGen allele CA395634334.

ClinVar aggregate classification (germline): Uncertain significance (1 of 4 stars; one submission).

Allele frequency attached by ClinVar (database versions not stated): gnomAD exomes below 0.00001; TOPMed below 0.00001; gnomAD 0.00001.
gnomAD v4.1: 2 of 1,614,000 alleles (0.00012%); highest among the groups gnomAD compares: Admixed American, 0.0033%; no homozygotes.

Submission:

Labcorp Genetics (formerly Invitae), Labcorp
Classification: Uncertain significance. Last evaluated: 2022-05-13. Review status: criteria provided, single submitter. Criteria: Invitae Variant Classification Sherloc (09022015). Collection method: clinical testing. Allele origin: germline.
Comment: This variant has not been reported in the literature in individuals affected with SRCAP-related conditions. In summary, the available evidence is currently insufficient to determine the role of this variant in disease. Therefore, it has been classified as a Variant of Uncertain Significance. Algorithms developed to predict the effect of sequence changes on RNA splicing suggest that this variant may create or strengthen a splice site. Algorithms developed to predict the effect of missense changes on protein structure and function are either unavailable or do not agree on the potential impact of this missense change (SIFT: "Tolerated"; PolyPhen-2: "Not Available"; Align-GVGD: "Class C0"). This variant is present in population databases (no rsID available, gnomAD 0.003%). This sequence change replaces valine, which is neutral and non-polar, with leucine, which is neutral and non-polar, at codon 2580 of the SRCAP protein (p.Val2580Leu).